The following is an entry in ClinVar:

ClinVar aggregate classification (germline): Uncertain significance. Review status: criteria provided, multiple submitters, no conflicts (2 of 4 stars). 2 submissions from 2 submitters: Uncertain significance (2). Last evaluated 2022-11-08.

Allele frequency attached by ClinVar (database versions not stated): gnomAD 0.00001; gnomAD exomes 0.00001 and 0.00002; ExAC 0.00002; TOPMed 0.00002; 1000 Genomes Project 30x 0.00016; 1000 Genomes Project 0.00020.
gnomAD v4.1: 6 of 1,613,432 alleles (0.00037%); highest among the groups gnomAD compares: Admixed American, 0.01%; no homozygotes.

Submissions (2):

GeneDx
Classification: Uncertain significance. Last evaluated: 2022-11-08. Review status: criteria provided, single submitter. Criteria: GeneDx Variant Classification Process June 2021. Collection method: clinical testing. Allele origin: germline. Affected: yes.
Comment: In silico analysis supports that this missense variant has a deleterious effect on protein structure/function; Has not been previously published as pathogenic or benign to our knowledge

Labcorp Genetics (formerly Invitae), Labcorp
Classification: Uncertain significance. Last evaluated: 2022-07-19. Review status: criteria provided, single submitter. Criteria: Invitae Variant Classification Sherloc (09022015). Collection method: clinical testing. Allele origin: germline.
Comment: In summary, the available evidence is currently insufficient to determine the role of this variant in disease. Therefore, it has been classified as a Variant of Uncertain Significance. Algorithms developed to predict the effect of sequence changes on RNA splicing suggest that this variant may create or strengthen a splice site. Algorithms developed to predict the effect of missense changes on protein structure and function are either unavailable or do not agree on the potential impact of this missense change (SIFT: "Deleterious"; PolyPhen-2: "Probably Damaging"; Align-GVGD: "Class C15"). ClinVar contains an entry for this variant (Variation ID: 1404420). This variant has not been reported in the literature in individuals affected with WHRN-related conditions. This variant is present in population databases (rs200583397, gnomAD 0.009%). This sequence change replaces aspartic acid, which is acidic and polar, with tyrosine, which is neutral and polar, at codon 767 of the WHRN protein (p.Asp767Tyr).

NM_015404.4(WHRN):c.2299G>T (p.Asp767Tyr)

Gene: WHRN (whirlin; minus strand). Cytogenetic location: 9q32.
Variant type: single nucleotide variant.
Coding change: c.2299G>T on transcript NM_015404.4 (MANE Select); coding-DNA position 2299, G replaced by T.
Protein change: p.Asp767Tyr; replaces aspartic acid 767 with tyrosine.
Molecular consequence: missense variant.
Genome position (GRCh38, 1-based): chr9:114,404,015, C>A on the plus strand (G>T on the coding strand, the complement: WHRN is on the minus strand). VCF-style: chr9-114404015-C-A. GRCh37 (hg19) VCF-style: chr9-117166295-C-A.
Other names: c.1150G>T, p.Asp384Tyr (NM_001083885.3); c.2296G>T, p.Asp766Tyr (NM_001173425.2); c.1246G>T, p.Asp416Tyr (NM_001346890.1); short protein forms D416Y, D384Y, D767Y, D766Y.
Identifiers: ClinVar variation 1404420 (VCV001404420.5), dbSNP rs200583397, ClinGen allele CA5205673.